The following is an entry in ClinVar:

Single allele

Genes: CTNS (cystinosin, lysosomal cystine transporter; plus strand), CTNS-AS1 (CTNS antisense RNA 1; minus strand), EMC6 (ER membrane protein complex subunit 6; plus strand), P2RX5 (purinergic receptor P2X 5; minus strand), P2RX5-TAX1BP3 (P2RX5-TAX1BP3 readthrough (NMD candidate); minus strand) and 8 more. Cytogenetic location: 17p13.2.
Variant type: Deletion.
Identifiers: ClinVar variation 157374 (VCV000157374.2).

ClinVar aggregate classification (germline): not provided (0 of 4 stars; one submission).

Conditions:
Normal pregnancy. Identifiers: MedGen C0232989.

Submission:

Institute of Molecular and Cell Biology, University of Tartu
No classification provided. Condition: Normal pregnancy. Review status: no classification provided. Collection method: case-control. Allele origin: unknown. Affected: yes. Study: Kasak2014.
Comment: The study aimed to determine the contribution of copy number variants in the genetic etiology of normal and complicated pregnancies. The samples represented (i) maternal blood DNA drawn from healthy pregnant women during 1st or 2nd trimester and (ii) maternal and paternal blood DNA drawn at term pregnancy cases representing normal and complicated gestations (severe preeclampsia, PE; gestational diabetes, GD; small-for-gestational age newborn, SGA; large-for-gestational age newborn, LGA). We performed CNV calling based on genome-wide genotyping dataset (Illumina HumanOmniExpress-24-v1 BeadChip) by applying three algorithms, QuantiSNP, GADA (Genome Alteration Detection Algorithm) and CNstream in parallel. The acquired CNV calls were merged with HD-CNV (Hotspot Detector for Copy Number Variants) program and only the CNVs predicted by at least two programs, were considered in subsequent analysis.

Literature cited by the submitters: PubMed 25666259.